The following is an entry in ClinVar:

NM_001099922.3(ALG13):c.1318G>A (p.Glu440Lys)

Gene: ALG13 (ALG13 UDP-N-acetylglucosaminyltransferase subunit; plus strand). Cytogenetic location: Xq23.
Variant type: single nucleotide variant.
Coding change: c.1318G>A on transcript NM_001099922.3 (MANE Select); coding-DNA position 1318, G replaced by A.
Protein change: p.Glu440Lys; replaces glutamic acid 440 with lysine.
Molecular consequence: missense variant. On other transcripts: non-coding transcript variant (1).
Genome position (GRCh38, 1-based): chrX:111,720,162, G>A. VCF-style: chrX-111720162-G-A. GRCh37 (hg19) VCF-style: chrX-110963390-G-A.
Other names: c.1006G>A, p.Glu336Lys (NM_001257230.2, NM_001257234.2, NM_001257237.2 and 1 more transcripts); c.1084G>A, p.Glu362Lys (NM_001257231.2); c.1318G>A, p.Glu440Lys (NM_001324292.2); short protein forms E336K, E362K, E440K.
Identifiers: ClinVar variation 1505544 (VCV001505544.6), dbSNP rs2148136453, ClinGen allele CA414251387.

ClinVar aggregate classification (germline): Uncertain significance (1 of 4 stars; one submission).

Conditions:
Developmental and epileptic encephalopathy, 36 (DEE36). Also called: Epileptic encephalopathy, early infantile, 36; Congenital disorder of glycosylation, type Is; ALG13-CDG. Identifiers: Orphanet 324422, MedGen C4317295, MONDO:0010472, OMIM 300884.

Submission:

Labcorp Genetics (formerly Invitae), Labcorp
Classification: Uncertain significance for Developmental and epileptic encephalopathy, 36. Last evaluated: 2022-02-01. Review status: criteria provided, single submitter. Criteria: Invitae Variant Classification Sherloc (09022015). Collection method: clinical testing. Allele origin: germline.
Comment: This variant is not present in population databases (gnomAD no frequency). This sequence change replaces glutamic acid, which is acidic and polar, with lysine, which is basic and polar, at codon 440 of the ALG13 protein (p.Glu440Lys). This variant has not been reported in the literature in individuals affected with ALG13-related conditions. In summary, the available evidence is currently insufficient to determine the role of this variant in disease. Therefore, it has been classified as a Variant of Uncertain Significance. Algorithms developed to predict the effect of missense changes on protein structure and function (SIFT, PolyPhen-2, Align-GVGD) all suggest that this variant is likely to be tolerated.